The following is an entry in ClinVar:

NM_001004356.3(FGFRL1):c.490G>A (p.Val164Met)

Gene: FGFRL1 (fibroblast growth factor receptor like 1; plus strand). Cytogenetic location: 4p16.3.
Variant type: single nucleotide variant.
Coding change: c.490G>A on transcript NM_001004356.3 (MANE Select); coding-DNA position 490, G replaced by A.
Protein change: p.Val164Met; replaces valine 164 with methionine.
Molecular consequence: missense variant.
Genome position (GRCh38, 1-based): chr4:1,023,873, G>A. VCF-style: chr4-1023873-G-A. GRCh37 (hg19) VCF-style: chr4-1017661-G-A.
Other names: c.490G>A, p.Val164Met (NM_001004358.1, NM_001370296.1, NM_021923.3); short protein forms V164M.
Identifiers: ClinVar variation 2045807 (VCV002045807.4), dbSNP rs779904701, ClinGen allele CA2802747.
Genomic context (GRCh38, chr4:1,023,873, plus strand): 5'-GCAGCACGACCGCGCTTCACACAGCCCTCCAAGATGAGGCGCCGGGTGATCGCACGGCCC[G>A]TGGGTAGCTCCGTGCGGCTCAAGTGCGTGGCCAGCGGGCACCCTCGGCCCGACATCACGT-3'
Protein context (NP_001004356.1, residues 154-174): KMRRRVIARP[Val164Met]GSSVRLKCVA

ClinVar aggregate classification (germline): Uncertain significance (1 of 4 stars; one submission).

Allele frequency attached by ClinVar (database versions not stated): gnomAD exomes 0.00001; TOPMed 0.00001; ExAC 0.00002.
gnomAD v4.1: 16 of 1,580,866 alleles (0.001%); highest among the groups gnomAD compares: East Asian, 0.0023%; no homozygotes.

Submission:

Labcorp Genetics (formerly Invitae), Labcorp
Classification: Uncertain significance. Last evaluated: 2022-06-17. Review status: criteria provided, single submitter. Criteria: Invitae Variant Classification Sherloc (09022015). Collection method: clinical testing. Allele origin: germline.
Comment: In summary, the available evidence is currently insufficient to determine the role of this variant in disease. Therefore, it has been classified as a Variant of Uncertain Significance. Algorithms developed to predict the effect of missense changes on protein structure and function are either unavailable or do not agree on the potential impact of this missense change (SIFT: "Deleterious"; PolyPhen-2: "Possibly Damaging"; Align-GVGD: "Class C0"). This variant has not been reported in the literature in individuals affected with FGFRL1-related conditions. The frequency data for this variant in the population databases is considered unreliable, as metrics indicate poor data quality at this position in the gnomAD database. This sequence change replaces valine, which is neutral and non-polar, with methionine, which is neutral and non-polar, at codon 164 of the FGFRL1 protein (p.Val164Met).